The following is an entry in ClinVar:

NM_004839.4(HOMER2):c.927C>G (p.Arg309=)

Gene: HOMER2 (homer scaffold protein 2; minus strand). Cytogenetic location: 15q25.2.
Variant type: single nucleotide variant.
Coding change: c.927C>G on transcript NM_004839.4 (MANE Select); coding-DNA position 927, C replaced by G.
Protein change: p.Arg309=; no amino-acid change (arginine 309 retained).
Molecular consequence: synonymous variant.
Genome position (GRCh38, 1-based): chr15:82,849,820, G>C on the plus strand (C>G on the coding strand, the complement: HOMER2 is on the minus strand). VCF-style: chr15-82849820-G-C. GRCh37 (hg19) VCF-style: chr15-83518572-G-C.
Other names: c.927C>G (NM_004839.3); c.960C>G, p.Arg320= (NM_199330.3).
Identifiers: ClinVar variation 4926194 (VCV004926194.2).

ClinVar aggregate classification (germline): Likely benign. Review status: criteria provided, multiple submitters, no conflicts (2 of 4 stars). 2 submissions from 2 submitters: Likely benign (2). Last evaluated 2026-08-03.

Conditions:
HOMER2-related disorder. Also called: HOMER2-related condition.

gnomAD v4.1: 34 of 1,613,870 alleles (0.0021%); highest among the groups gnomAD compares: Non-Finnish European, 0.0029%; no homozygotes.

Submissions (2):

PreventionGenetics, part of Exact Sciences
Classification: Likely benign for HOMER2-related condition. Last evaluated: 2026-08-03. Review status: criteria provided, single submitter. Criteria: ACMG Guidelines, 2015. Collection method: clinical testing. Allele origin: germline.
Comment: This variant is classified as likely benign based on ACMG/AMP sequence variant interpretation guidelines (Richards et al. 2015 PMID: 25741868, with internal and published modifications).

Blueprint Genetics
Classification: Likely benign. Last evaluated: 2024-09-26. Review status: criteria provided, single submitter. Criteria: ACMG Guidelines, 2015. Collection method: clinical testing. Allele origin: germline.